The following is an entry in ClinVar:

ClinVar aggregate classification (germline): Uncertain significance (1 of 4 stars; one submission).

Conditions:
Early-infantile DEE. Also called: Ohtahara syndrome; Early infantile epileptic encephalopathy with suppression bursts; Early infantile epileptic encephalopathy. Identifiers: Orphanet 1934, MedGen C0393706, MONDO:0800491.

Allele frequency attached by ClinVar (database versions not stated): gnomAD exomes below 0.00001 and 0.00001; ExAC 0.00001; TOPMed 0.00002; gnomAD 0.00005.

Submission:

Labcorp Genetics (formerly Invitae), Labcorp
Classification: Uncertain significance for Early-infantile DEE. Last evaluated: 2025-08-30. Review status: criteria provided, single submitter. Criteria: Invitae Variant Classification Sherloc (09022015). Collection method: clinical testing. Allele origin: germline.
Comment: This sequence change replaces arginine, which is basic and polar, with tryptophan, which is neutral and slightly polar, at codon 145 of the GNAO1 protein (p.Arg145Trp). This variant is present in population databases (rs757388426, gnomAD 0.02%). This missense change has been observed in individual(s) with clinical features of GNAO1-related conditions (internal data). ClinVar contains an entry for this variant (Variation ID: 1473849). Invitae Evidence Modeling of protein sequence and biophysical properties (such as structural, functional, and spatial information, amino acid conservation, physicochemical variation, residue mobility, and thermodynamic stability) indicates that this missense variant is expected to disrupt GNAO1 protein function with a positive predictive value of 95%. In summary, the available evidence is currently insufficient to determine the role of this variant in disease. Therefore, it has been classified as a Variant of Uncertain Significance.

NM_020988.3(GNAO1):c.433C>T (p.Arg145Trp)

Gene: GNAO1 (G protein subunit alpha o1; plus strand). Cytogenetic location: 16q13.
Variant type: single nucleotide variant.
Coding change: c.433C>T on transcript NM_020988.3 (MANE Select); coding-DNA position 433, C replaced by T.
Protein change: p.Arg145Trp; replaces arginine 145 with tryptophan.
Molecular consequence: missense variant.
Genome position (GRCh38, 1-based): chr16:56,328,760, C>T. VCF-style: chr16-56328760-C-T. GRCh37 (hg19) VCF-style: chr16-56362672-C-T.
Other names: c.433C>T, p.Arg145Trp (NM_138736.3); short protein forms R145W.
Identifiers: ClinVar variation 1473849 (VCV001473849.7), dbSNP rs757388426, ClinGen allele CA8063756.